The following is an entry in ClinVar:

ClinVar aggregate classification (germline): other (0 of 4 stars; one submission).

Conditions:
Familial colorectal cancer. Identifiers: MedGen CN280943, MONDO:0023113. Disease mechanism: loss of function.

Allele frequency attached by ClinVar (database versions not stated): 1000 Genomes Project 30x 0.05309; 1000 Genomes Project 0.05671; gnomAD 0.02594 and 0.02670; TOPMed 0.03081.
gnomAD v4.1: 4,048 of 152,246 alleles (2.7%); highest among the groups gnomAD compares: East Asian, 13%; 143 homozygotes.

Submission:

Systems Biology Platform Zhejiang California International NanoSystems Institute
Classification: other for Familial colorectal cancer. Review status: no assertion criteria provided. Collection method: not provided. Allele origin: unknown.
ClinVar note: Converted during submission from cancer to other.

NM_000038.6(APC):c.423-666G>A

Gene: APC (APC regulator of WNT signaling pathway; plus strand). Cytogenetic location: 5q22.2.
Variant type: single nucleotide variant.
Coding change: c.423-666G>A on transcript NM_000038.6 (MANE Select); 666 bases into the intron before coding-DNA position 423, G replaced by A.
Molecular consequence: intron variant.
Genome position (GRCh38, 1-based): chr5:112,774,963, G>A. VCF-style: chr5-112774963-G-A. GRCh37 (hg19) VCF-style: chr5-112110660-G-A.
Other names: c.423-666G>A (NM_001354895.2, NM_001127510.3, NM_001354896.2 and 2 more transcripts); c.453-666G>A (NM_001354897.2, NM_001354902.2, NM_001127511.3); c.348-666G>A (NM_001354898.2, NM_001354904.2); c.-613-666G>A (NM_001354906.2); c.246-666G>A (NM_001354900.2, NM_001354901.2, NM_001354905.2).
Identifiers: ClinVar variation 82907 (VCV000082907.2), dbSNP rs74639338, ClinGen allele CA009333.